The following is an entry in ClinVar:

NM_006397.3(RNASEH2A):c.247A>G (p.Met83Val)

Gene: RNASEH2A (ribonuclease H2 subunit A; plus strand). Cytogenetic location: 19p13.13.
Variant type: single nucleotide variant.
Coding change: c.247A>G on transcript NM_006397.3 (MANE Select); coding-DNA position 247, A replaced by G.
Protein change: p.Met83Val; replaces methionine 83 with valine.
Molecular consequence: missense variant.
Genome position (GRCh38, 1-based): chr19:12,807,253, A>G. VCF-style: chr19-12807253-A-G. GRCh37 (hg19) VCF-style: chr19-12918067-A-G.
Other names: short protein forms M83V.
Identifiers: ClinVar variation 2990398 (VCV002990398.1), dbSNP rs746324858, ClinGen allele CA9231805.

ClinVar aggregate classification (germline): Uncertain significance (1 of 4 stars; one submission).

Conditions:
Aicardi-Goutieres syndrome 4. Identifiers: Orphanet 51, MedGen C1835912, MONDO:0012472, OMIM 610333.

Allele frequency attached by ClinVar (database versions not stated): gnomAD exomes below 0.00001; ExAC 0.00001; gnomAD 0.00002; TOPMed 0.00002.
gnomAD v4.1: 5 of 1,614,066 alleles (0.00031%); highest among the groups gnomAD compares: African/African-American, 0.0053%; no homozygotes.

Submission:

Labcorp Genetics (formerly Invitae), Labcorp
Classification: Uncertain significance for Aicardi-Goutieres syndrome 4. Last evaluated: 2022-11-17. Review status: criteria provided, single submitter. Criteria: Invitae Variant Classification Sherloc (09022015). Collection method: clinical testing. Allele origin: germline.
Comment: In summary, the available evidence is currently insufficient to determine the role of this variant in disease. Therefore, it has been classified as a Variant of Uncertain Significance. Advanced modeling of protein sequence and biophysical properties (such as structural, functional, and spatial information, amino acid conservation, physicochemical variation, residue mobility, and thermodynamic stability) performed at Invitae indicates that this missense variant is not expected to disrupt RNASEH2A protein function. This variant has not been reported in the literature in individuals affected with RNASEH2A-related conditions. This variant is present in population databases (rs746324858, gnomAD 0.01%). This sequence change replaces methionine, which is neutral and non-polar, with valine, which is neutral and non-polar, at codon 83 of the RNASEH2A protein (p.Met83Val).